The following is an entry in ClinVar:

NM_019892.6(INPP5E):c.450G>C (p.Glu150Asp)

Gene: INPP5E (inositol polyphosphate-5-phosphatase E; minus strand). Cytogenetic location: 9q34.3.
Variant type: single nucleotide variant.
Coding change: c.450G>C on transcript NM_019892.6 (MANE Select); coding-DNA position 450, G replaced by C.
Protein change: p.Glu150Asp; replaces glutamic acid 150 with aspartic acid.
Molecular consequence: missense variant.
Genome position (GRCh38, 1-based): chr9:136,438,970, C>G on the plus strand (G>C on the coding strand, the complement: INPP5E is on the minus strand). VCF-style: chr9-136438970-C-G. GRCh37 (hg19) VCF-style: chr9-139333422-C-G.
Other names: c.450G>C, p.Glu150Asp (NM_001318502.2); c.450G>C (NM_019892.5); short protein forms E150D.
Identifiers: ClinVar variation 1356215 (VCV001356215.9), dbSNP rs1336319671, ClinGen allele CA375568876.

ClinVar aggregate classification (germline): Uncertain significance. Review status: criteria provided, multiple submitters, no conflicts (2 of 4 stars). 2 submissions from 2 submitters: Uncertain significance (2). Last evaluated 2024-10-30.

Conditions:
INPP5E-related disorder. Also called: INPP5E-related condition.
Joubert syndrome. Also called: Familial aplasia of the vermis; JOUBERT-BOLTSHAUSER SYNDROME. Identifiers: Orphanet 475, MedGen C5979921, MONDO:0018772.

Allele frequency attached by ClinVar (database versions not stated): gnomAD exomes 0.00001.

Submissions (2):

PreventionGenetics, part of Exact Sciences
Classification: Uncertain significance for INPP5E-related condition. Last evaluated: 2024-10-30. Review status: criteria provided, single submitter. Criteria: ACMG Guidelines, 2015. Collection method: clinical testing. Allele origin: germline.
Comment: The INPP5E c.450G>C variant is predicted to result in the amino acid substitution p.Glu150Asp. To our knowledge, this variant has not been reported in the literature. This variant is reported in 0.010% of alleles in individuals of African descent in gnomAD. At this time, the clinical significance of this variant is uncertain due to the absence of conclusive functional and genetic evidence.

Labcorp Genetics (formerly Invitae), Labcorp
Classification: Uncertain significance for Joubert syndrome. Last evaluated: 2022-09-07. Review status: criteria provided, single submitter. Criteria: Invitae Variant Classification Sherloc (09022015). Collection method: clinical testing. Allele origin: germline.
Comment: This sequence change replaces glutamic acid, which is acidic and polar, with aspartic acid, which is acidic and polar, at codon 150 of the INPP5E protein (p.Glu150Asp). The frequency data for this variant in the population databases is considered unreliable, as metrics indicate poor data quality at this position in the gnomAD database. Advanced modeling of protein sequence and biophysical properties (such as structural, functional, and spatial information, amino acid conservation, physicochemical variation, residue mobility, and thermodynamic stability) performed at Invitae indicates that this missense variant is not expected to disrupt INPP5E protein function. ClinVar contains an entry for this variant (Variation ID: 1356215). This variant has not been reported in the literature in individuals affected with INPP5E-related conditions. In summary, the available evidence is currently insufficient to determine the role of this variant in disease. Therefore, it has been classified as a Variant of Uncertain Significance.